The following is an entry in ClinVar:

NM_000350.3(ABCA4):c.1933G>A (p.Asp645Asn)

Gene: ABCA4 (ATP binding cassette subfamily A member 4; minus strand). Cytogenetic location: 1p22.1.
Variant type: single nucleotide variant.
Coding change: c.1933G>A on transcript NM_000350.3 (MANE Select); coding-DNA position 1933, G replaced by A.
Protein change: p.Asp645Asn; replaces aspartic acid 645 with asparagine.
Molecular consequence: missense variant.
Genome position (GRCh38, 1-based): chr1:94,062,581, C>T on the plus strand (G>A on the coding strand, the complement: ABCA4 is on the minus strand). VCF-style: chr1-94062581-C-T. GRCh37 (hg19) VCF-style: chr1-94528137-C-T.
Other names: c.1933G>A, p.Asp645Asn (NM_001425324.1); short protein forms D645N.
Identifiers: ClinVar variation 99103 (VCV000099103.56), dbSNP rs61749418, ClinGen allele CA226960.
Genomic context (GRCh38, chr1:94,062,581, plus strand): 5'-CACTCCAGCACCCCCATTAGCGTGTCATGGAGGAGGATCGCGAACTTCAGACTCACGAAT[C>T]GTCCACGAAGCAGGGGTAGGGCATCTGCTGGAGGTAGATTCCAACTGGAGCCTCCGCCTG-3'
Protein context (NP_000341.2, residues 635-655): QQMPYPCFVD[Asp645Asn]SFMIILNRCF

ClinVar aggregate classification (germline): Pathogenic/Likely pathogenic. Review status: criteria provided, multiple submitters, no conflicts (2 of 4 stars). 7 submissions from 7 submitters: Pathogenic (5); Likely pathogenic (1). 1 of the submissions does not count toward it. Last evaluated 2025-10-19.

Conditions:
ABCA4-related disorder. Also called: ABCA4-related disorders; ABCA4-related condition. Identifiers: MedGen CN239167.
Age related macular degeneration 2. Also called: MACULAR DEGENERATION, SENILE; MACULOPATHY, AGE-RELATED, 2; MACULOPATHY, AGE-RELATED. Identifiers: MedGen C3495438, MONDO:0007932, OMIM 153800.
Severe early-childhood-onset retinal dystrophy (STGD1). Also called: MACULAR DYSTROPHY WITH FLECKS, TYPE 1; STGD; Stargardt macular dystrophy; Juvenile onset macular degeneration; Stargardt disease 1. Identifiers: Orphanet 364055, Orphanet 827, MedGen C1855465, MeSH D000080362, MONDO:0009549, OMIM 248200.
Retinitis pigmentosa 19 (RP19). Also called: ABCA4-Related Retinitis Pigmentosa. Identifiers: Orphanet 791, MedGen C1866422, MONDO:0011137, OMIM 601718.
Cone-rod dystrophy 3 (CORD3). Identifiers: Orphanet 1872, MedGen C1858806, MONDO:0011395, OMIM 604116.
Retinitis pigmentosa (RP). Identifiers: Orphanet 791, MedGen C0035334, MeSH D012174, MONDO:0019200, OMIM 268000. Inheritance: Autosomal dominant, autosomal recessive and X linked inheritance.

gnomAD v4.1: 25 of 1,501,192 alleles (0.0017%); highest among the groups gnomAD compares: South Asian, 0.0033%; no homozygotes.

Submissions (7):

Labcorp Genetics (formerly Invitae), Labcorp
Classification: Pathogenic. Last evaluated: 2025-10-19. Review status: criteria provided, single submitter. Criteria: Invitae Variant Classification Sherloc (09022015). Collection method: clinical testing. Allele origin: germline.
Comment: This sequence change replaces aspartic acid, which is acidic and polar, with asparagine, which is neutral and polar, at codon 645 of the ABCA4 protein (p.Asp645Asn). This variant is present in population databases (rs61749418, gnomAD 0.004%). This missense change has been observed in individual(s) with Stargardt disease and retinitis pigmentosa (PMID: 9973280, 28559085, 29975949, 30029497, 31144483). In at least one individual the data is consistent with being in trans (on the opposite chromosome) from a pathogenic variant. ClinVar contains an entry for this variant (Variation ID: 99103). Invitae Evidence Modeling of protein sequence and biophysical properties (such as structural, functional, and spatial information, amino acid conservation, physicochemical variation, residue mobility, and thermodynamic stability) indicates that this missense variant is expected to disrupt ABCA4 protein function with a positive predictive value of 95%. For these reasons, this variant has been classified as Pathogenic.

Blueprint Genetics
Classification: Pathogenic for ABCA4-related disorders. Last evaluated: 2024-07-11. Review status: criteria provided, single submitter. Criteria: ACMG Guidelines, 2015. Collection method: clinical testing. Allele origin: germline. Affected: yes. Observed: 5 variant alleles.

Fulgent Genetics
Classification: Pathogenic for Age related macular degeneration 2; Severe early-childhood-onset retinal dystrophy; Retinitis pigmentosa 19; Cone-rod dystrophy 3. Last evaluated: 2024-05-31. Review status: criteria provided, single submitter. Criteria: ACMG Guidelines, 2015. Collection method: clinical testing. Allele origin: germline.

Women's Health and Genetics/Laboratory Corporation of America, LabCorp
Classification: Pathogenic for Retinitis pigmentosa. Last evaluated: 2024-05-28. Review status: criteria provided, single submitter. Criteria: LabCorp Variant Classification Summary - May 2015. Collection method: clinical testing. Allele origin: germline.
Comment: Variant summary: ABCA4 c.1933G>A (p.Asp645Asn) results in a conservative amino acid change located in the ABC-2 type transporter, transmembrane domain (IPR013525) of the encoded protein sequence. Four of five in-silico tools predict a damaging effect of the variant on protein function. The variant allele was found at a frequency of 2e-05 in 251094 control chromosomes. c.1933G>A has been reported in the literature in multiple compound heterozygous individuals affected with retinitis pigmentosa or Stargardt disease (e.g., Lewis_1999, Stone_2017, Wang_2018, Hu_2019). These data indicate that the variant is very likely to be associated with disease. The following publications have been ascertained in the context of this evaluation (PMID: 31543898, 9973280, 28559085, 30029497). ClinVar contains an entry for this variant (Variation ID: 99103). Based on the evidence outlined above, the variant was classified as pathogenic.

CeGaT Center for Human Genetics Tuebingen
Classification: Pathogenic. Last evaluated: 2017-06-01. Review status: criteria provided, single submitter. Criteria: CeGaT Center For Human Genetics Tuebingen Variant Classification Criteria Version 2. Collection method: clinical testing. Allele origin: germline. Affected: yes. Observed: 1 variant allele.

Juno Genomics, Hangzhou Juno Genomics, Inc
Classification: Likely pathogenic for Age related macular degeneration 2; Cone-rod dystrophy 3; Severe early-childhood-onset retinal dystrophy; Retinitis pigmentosa 19. Review status: criteria provided, single submitter. Criteria: ACMG Guidelines, 2015. Collection method: clinical testing. Allele origin: germline.
Comment: Absent from controls (or at extremely low frequency if recessive) in Genome Aggregation Database.;Multiple lines of computational evidence support a deleterious effect on the gene or gene product.;For recessive disorders, detected in trans with a pathogenic variant.

Retina International
No classification provided. Review status: no classification provided. Collection method: not provided. Allele origin: not provided. Not counted in ClinVar's aggregate classification.

Literature cited by the submitters: PubMed 9973280 (cited by Labcorp Genetics (formerly Invitae), Labcorp and Women's Health and Genetics/Laboratory Corporation of America, LabCorp); PubMed 28559085 (cited by Labcorp Genetics (formerly Invitae), Labcorp and Women's Health and Genetics/Laboratory Corporation of America, LabCorp); PubMed 29975949 (cited by Labcorp Genetics (formerly Invitae), Labcorp); PubMed 30029497 (cited by Labcorp Genetics (formerly Invitae), Labcorp and Women's Health and Genetics/Laboratory Corporation of America, LabCorp); PubMed 31144483 (cited by Labcorp Genetics (formerly Invitae), Labcorp); PubMed 31543898 (cited by Women's Health and Genetics/Laboratory Corporation of America, LabCorp).